The following is an entry in ClinVar:

NM_020338.4(ZMIZ1):c.679G>A (p.Ala227Thr)

Gene: ZMIZ1 (zinc finger MIZ-type containing 1; plus strand). Cytogenetic location: 10q22.3.
Variant type: single nucleotide variant.
Coding change: c.679G>A on transcript NM_020338.4 (MANE Select); coding-DNA position 679, G replaced by A.
Protein change: p.Ala227Thr; replaces alanine 227 with threonine.
Molecular consequence: missense variant.
Genome position (GRCh38, 1-based): chr10:79,291,097, G>A. VCF-style: chr10-79291097-G-A. GRCh37 (hg19) VCF-style: chr10-81050854-G-A.
Other names: short protein forms A227T.
Identifiers: ClinVar variation 2134592 (VCV002134592.4), dbSNP rs1282063189, ClinGen allele CA377332496.

ClinVar aggregate classification (germline): Uncertain significance (1 of 4 stars; one submission).

Allele frequency attached by ClinVar (database versions not stated): gnomAD exomes below 0.00001.
gnomAD v4.1: 1 of 1,614,204 alleles (0.000062%); highest among the groups gnomAD compares: Non-Finnish European, 0.000085%; no homozygotes.

Submission:

Labcorp Genetics (formerly Invitae), Labcorp
Classification: Uncertain significance. Last evaluated: 2023-03-01. Review status: criteria provided, single submitter. Criteria: Invitae Variant Classification Sherloc (09022015). Collection method: clinical testing. Allele origin: germline.
Comment: Advanced modeling of protein sequence and biophysical properties (such as structural, functional, and spatial information, amino acid conservation, physicochemical variation, residue mobility, and thermodynamic stability) performed at Invitae indicates that this missense variant is not expected to disrupt ZMIZ1 protein function. In summary, the available evidence is currently insufficient to determine the role of this variant in disease. Therefore, it has been classified as a Variant of Uncertain Significance. This sequence change replaces alanine, which is neutral and non-polar, with threonine, which is neutral and polar, at codon 227 of the ZMIZ1 protein (p.Ala227Thr). This variant is not present in population databases (gnomAD no frequency). This variant has not been reported in the literature in individuals affected with ZMIZ1-related conditions. ClinVar contains an entry for this variant (Variation ID: 2134592).